The following is an entry in ClinVar:

NM_000483.5(APOC2):c.1A>G (p.Met1Val)

Genes: APOC2 (apolipoprotein C2; plus strand), APOC4-APOC2 (APOC4-APOC2 readthrough (NMD candidate); plus strand). Cytogenetic location: 19q13.32.
Variant type: single nucleotide variant.
Coding change: c.1A>G on transcript NM_000483.5 (MANE Select); coding-DNA position 1, A replaced by G.
Protein change: p.Met1Val; changes the start codon (methionine 1).
Molecular consequence: missense variant, initiator codon variant. On other transcripts: non-coding transcript variant (1).
Genome position (GRCh38, 1-based): chr19:44,948,479, A>G. VCF-style: chr19-44948479-A-G. GRCh37 (hg19) VCF-style: chr19-45451736-A-G.
Other names: short protein forms M1V.
Identifiers: ClinVar variation 2579 (VCV000002579.2), dbSNP rs120074112, ClinGen allele CA115618.

ClinVar aggregate classification (germline): Likely pathogenic. Review status: criteria provided, single submitter (1 of 4 stars). 3 submissions from 2 submitters: Likely pathogenic (1). 2 of the submissions do not count toward it.

Conditions:
APOLIPOPROTEIN C-II (PARIS).
Familial apolipoprotein C-II deficiency. Also called: APOC2 DEFICIENCY; C-II ANAPOLIPOPROTEINEMIA; HYPERLIPOPROTEINEMIA, TYPE IB. Identifiers: Orphanet 309020, Orphanet 444490, MedGen C1720779, MONDO:0008810, OMIM 207750.

Allele frequency attached by ClinVar (database versions not stated): gnomAD exomes below 0.00001.

Submissions (3):

Neuberg Centre For Genomic Medicine, NCGM
Classification: Likely pathogenic for Familial apolipoprotein C-II deficiency. Review status: criteria provided, single submitter. Criteria: ACMG Guidelines, 2015. Collection method: clinical testing. Allele origin: germline. Inheritance: Autosomal recessive inheritance. Affected: yes.
Comment: Potential initiation of translation at the closest in-frame methionine codon eliminated the entire signal peptide and the first 8 amino-terminal residues of apoC-II, thus preventing secretion of apoC-II into the plasma (Fojo et al., 1989).

OMIM
Classification: Pathogenic for APOLIPOPROTEIN C-II (PARIS). Last evaluated: 1989-12-15. Review status: no assertion criteria provided. Collection method: literature only. Allele origin: germline. Not counted in ClinVar's aggregate classification.

OMIM
Classification: Pathogenic for HYPERLIPOPROTEINEMIA, TYPE IB. Last evaluated: 1989-12-15. Review status: no assertion criteria provided. Collection method: literature only. Allele origin: germline. Not counted in ClinVar's aggregate classification.

Literature cited by the submitters: PubMed 2592354 (cited by OMIM).